The following is an entry in ClinVar:

NM_022455.5(NSD1):c.2416A>G (p.Ile806Val)

Gene: NSD1 (nuclear receptor binding SET domain protein 1; plus strand). Cytogenetic location: 5q35.3.
Variant type: single nucleotide variant.
Coding change: c.2416A>G on transcript NM_022455.5 (MANE Select); coding-DNA position 2416, A replaced by G.
Protein change: p.Ile806Val; replaces isoleucine 806 with valine.
Molecular consequence: missense variant.
Genome position (GRCh38, 1-based): chr5:177,210,815, A>G. VCF-style: chr5-177210815-A-G. GRCh37 (hg19) VCF-style: chr5-176637816-A-G.
Other names: c.1543A>G, p.Ile515Val (NM_001365684.2, NM_172349.5, NM_001409306.1 and 3 more transcripts); c.2416A>G, p.Ile806Val (NM_001409301.1, NM_001409302.1, NM_001409303.1); c.1996A>G, p.Ile666Val (NM_001409304.1); c.1663A>G, p.Ile555Val (NM_001409305.1); short protein forms I806V, I537V, I666V, I515V, I555V.
Identifiers: ClinVar variation 577528 (VCV000577528.9), dbSNP rs1562208925, ClinGen allele CA362317710.

ClinVar aggregate classification (germline): Uncertain significance. Review status: criteria provided, single submitter (1 of 4 stars). 2 submissions from 1 submitter: Uncertain significance (1). 1 of the submissions does not count toward it. Last evaluated 2018-05-21.

Conditions:
Sotos syndrome (SOTOS). Also called: Distinctive facial appearance, overgrowth in childhood, and learning disabilities or delayed development; CEREBRAL GIGANTISM; Sotos' syndrome; CHROMOSOME 5q35 DELETION SYNDROME; SOTOS SYNDROME 1. Identifiers: Orphanet 821, MedGen C0175695, MONDO:0019349, OMIM 117550.

Allele frequency attached by ClinVar (database versions not stated): gnomAD exomes below 0.00001.
gnomAD v4.1: 2 of 1,614,230 alleles (0.00012%); highest among the groups gnomAD compares: Non-Finnish European, 0.00017%; no homozygotes.

Submissions (2):

Labcorp Genetics (formerly Invitae), Labcorp
Classification: Uncertain significance. Last evaluated: 2018-05-21. Review status: criteria provided, single submitter. Criteria: Invitae Variant Classification Sherloc (09022015). Collection method: clinical testing. Allele origin: germline.
Comment: In summary, the available evidence is currently insufficient to determine the role of this variant in disease. Therefore, it has been classified as a Variant of Uncertain Significance. Algorithms developed to predict the effect of missense changes on protein structure and function (SIFT, PolyPhen-2, Align-GVGD) all suggest that this variant is likely to be tolerated, but these predictions have not been confirmed by published functional studies and their clinical significance is uncertain. This variant has not been reported in the literature in individuals with NSD1-related disease. This variant is not present in population databases (ExAC no frequency). This sequence change replaces isoleucine with valine at codon 806 of the NSD1 protein (p.Ile806Val). The isoleucine residue is weakly conserved and there is a small physicochemical difference between isoleucine and valine.

Labcorp Genetics (formerly Invitae), Labcorp
Classification: Uncertain significance. Last evaluated: 2021-09-01. Review status: flagged submission. Criteria: Invitae Variant Classification Sherloc (09022015). Collection method: clinical testing. Allele origin: germline. Not counted in ClinVar's aggregate classification.
Comment: This sequence change replaces isoleucine with valine at codon 806 of the NSD1 protein (p.Ile806Val). The isoleucine residue is weakly conserved and there is a small physicochemical difference between isoleucine and valine. This variant is not present in population databases (ExAC no frequency). This variant has not been reported in the literature in individuals affected with NSD1-related conditions. Algorithms developed to predict the effect of missense changes on protein structure and function (SIFT, PolyPhen-2, Align-GVGD) all suggest that this variant is likely to be tolerated. In summary, the available evidence is currently insufficient to determine the role of this variant in disease. Therefore, it has been classified as a Variant of Uncertain Significance.
ClinVar note: Reason: This record appears to be redundant with a more recent record from the same submitter.
ClinVar note: Notes: SCV001569901 appears to be redundant with SCV000829060.